The following is an entry in ClinVar:

NM_012281.3(KCND2):c.480C>A (p.Ser160Arg)

Gene: KCND2 (potassium voltage-gated channel subfamily D member 2; plus strand). Cytogenetic location: 7q31.31.
Variant type: single nucleotide variant.
Coding change: c.480C>A on transcript NM_012281.3 (MANE Select); coding-DNA position 480, C replaced by A.
Protein change: p.Ser160Arg; replaces serine 160 with arginine.
Molecular consequence: missense variant.
Genome position (GRCh38, 1-based): chr7:120,275,112, C>A. VCF-style: chr7-120275112-C-A. GRCh37 (hg19) VCF-style: chr7-119915166-C-A.
Other names: short protein forms S160R.
Identifiers: ClinVar variation 3714051 (VCV003714051.2).
Genomic context (GRCh38, chr7:120,275,112, plus strand): 5'-CAGGCGAGAGAACGCCGAGCGCCTGCAGGACGACGCGGATACCGACACCGCTGGGGAGAG[C>A]GCCTTGCCCACCATGACTGCAAGGCAGAGGGTCTGGAGGGCCTTCGAGAACCCCCACACC-3'
Protein context (NP_036413.1, residues 150-170): DDADTDTAGE[Ser160Arg]ALPTMTARQR

ClinVar aggregate classification (germline): Uncertain significance (1 of 4 stars; one submission).

Conditions:
Early Myoclonic Encephalopathy. Identifiers: MedGen C0270855.

gnomAD v4.1: 4 of 1,613,520 alleles (0.00025%); highest among the groups gnomAD compares: African/African-American, 0.0027%; no homozygotes.

Submission:

Labcorp Genetics (formerly Invitae), Labcorp
Classification: Uncertain significance for Early Myoclonic Encephalopathy. Last evaluated: 2025-01-17. Review status: criteria provided, single submitter. Criteria: Invitae Variant Classification Sherloc (09022015). Collection method: clinical testing. Allele origin: germline.
Comment: This sequence change replaces serine, which is neutral and polar, with arginine, which is basic and polar, at codon 160 of the KCND2 protein (p.Ser160Arg). This variant is not present in population databases (gnomAD no frequency). This variant has not been reported in the literature in individuals affected with KCND2-related conditions. Invitae Evidence Modeling of protein sequence and biophysical properties (such as structural, functional, and spatial information, amino acid conservation, physicochemical variation, residue mobility, and thermodynamic stability) indicates that this missense variant is not expected to disrupt KCND2 protein function with a negative predictive value of 95%. In summary, the available evidence is currently insufficient to determine the role of this variant in disease. Therefore, it has been classified as a Variant of Uncertain Significance.